The following is an entry in ClinVar:

NM_170606.3(KMT2C):c.2961C>G (p.Tyr987Ter)

Gene: KMT2C (lysine methyltransferase 2C; minus strand). Cytogenetic location: 7q36.1.
Variant type: single nucleotide variant.
Coding change: c.2961C>G on transcript NM_170606.3 (MANE Select); coding-DNA position 2961, C replaced by G.
Protein change: p.Tyr987Ter; replaces tyrosine 987 with a stop codon.
Molecular consequence: nonsense.
Genome position (GRCh38, 1-based): chr7:152,229,938, G>C on the plus strand (C>G on the coding strand, the complement: KMT2C is on the minus strand). VCF-style: chr7-152229938-G-C. GRCh37 (hg19) VCF-style: chr7-151927023-G-C.
Other names: short protein forms Y987*.
Identifiers: ClinVar variation 694634 (VCV000694634.8), dbSNP rs58528565, ClinGen allele CA169240819.
Genomic context (GRCh38, chr7:152,229,938, plus strand): 5'-TAAAAATTCAATACATATTTGTTAACTCAATTTAAGGATGTTTACCTTAATACTGACACA[G>C]TATGGATGGTAACACTGACCACACTGAGAACAGGCAAGTAATCTTCCTTCTGCTCCTTGG-3'

ClinVar aggregate classification (germline): Conflicting classifications of pathogenicity. Review status: criteria provided, conflicting classifications (1 of 4 stars). 3 submissions from 3 submitters: Likely pathogenic (2); Uncertain significance (1). Last evaluated 2021-01-20.

Conditions:
Global developmental delay (DD). Also called: Cognitive delay. Identifiers: MedGen C0557874, HP:0001263. Disease mechanism: loss of function.
Cerebellar atrophy. Identifiers: MedGen C0740279, HP:0001272.
Kleefstra syndrome 2 (KLEFS2). Identifiers: MedGen C4540395, MONDO:0054701, OMIM 617768.

Submissions (3):

Women's Health and Genetics/Laboratory Corporation of America, LabCorp
Classification: Likely pathogenic for Kleefstra syndrome 2. Last evaluated: 2021-01-20. Review status: criteria provided, single submitter. Criteria: LabCorp Variant Classification Summary - May 2015. Collection method: clinical testing. Allele origin: germline.
Comment: Variant summary: KMT2C c.2961C>G (p.Tyr987X) results in a premature termination codon, predicted to cause a truncation of the encoded protein or absence of the protein due to nonsense mediated decay, which are commonly known mechanisms for disease. The variant was absent in 204330 control chromosomes (gnomAD); of note, the region surrounding the variant is highly affected by pseudogene interference, therefore NGS data for this region (from studies or databases) should be evaluated with caution. The variant, c.2961C>G, has not been reported in the literature in individuals affected with Kleefstra Syndrome 2, but has been reported in patients affected with various types of tumors, most likely as a somatic occurrence (e.g. Yap_2018, Adam_2019, Hirotsu_2020, Peng_2019). These reports do not provide unequivocal conclusions about association of the variant with Kleefstra Syndrome 2. A recent study reported that loss-of-function variants in the KMT2C gene are firmly associated with dominant developmental disorders (PMID 29276005). To our knowledge, no experimental evidence demonstrating an impact on protein function has been reported. One clinical diagnostic laboratory has submitted clinical-significance assessments for this variant to ClinVar after 2014 without evidence for independent evaluation, and classified the variant as uncertain significance. Based on the evidence outlined above, the variant was classified as likely pathogenic.

Diagnostics Services (NGS), CSIR - Centre For Cellular And Molecular Biology
Classification: Uncertain significance for Global developmental delay; Cerebellar atrophy; Kleefstra syndrome 2. Last evaluated: 2019-08-29. Review status: criteria provided, single submitter. Criteria: ACMG Guidelines, 2015. Collection method: clinical testing. Allele origin: unknown. Inheritance: Autosomal dominant inheritance. Affected: yes. Observed: 1 heterozygote.
Comment: This variant is not present in publicly available databases like 1000 Genomes, Exome Variant Server (EVS), Exome Aggregation Consortium (ExAC), Genome Aggregation Database (gnomAD) and dbSNP. The variant is also not present in our in-house exome database. In-silico pathogenicity prediction programs like Mutation Taster2, CADD, InterVar etc. predicted this variant as likely disease causing. The variant has been classified as uncertain significance considering the clinical phenotype of the patient. Also validation of this variant was not performed however recommended to the patient family due to the presence of other highly homologus genomic regions.

Neuberg Centre For Genomic Medicine, NCGM
Classification: Likely pathogenic for Kleefstra syndrome 2. Review status: criteria provided, single submitter. Criteria: ACMG Guidelines, 2015. Collection method: clinical testing. Allele origin: germline. Inheritance: Autosomal dominant inheritance. Affected: yes.
Comment: The stop gained c.2961C>G p.Tyr987Ter variant in KMT2C has not been reported previously as a pathogenic variant nor as a benign variant, to our knowledge. The p.Tyr987Ter variant is absent not in any individuals in gnomAD exomes database. This variant has been submitted to the ClinVar database as Uncertain significance / Likely pathogenic. The nucleotide change c.2961C>G in KMT2C is predicted as conserved by GERP++ and PhyloP across 100 vertebrates. Computational evidence MutationTaster - disease causing predict a damaging effect on protein structure and function for this variant. This variant is predicted to cause loss of normal protein function through protein truncation. Loss of function variants have been previously reported to be disease causing. For these reasons, this variant has been classified as Likely Pathogenic.

Literature cited by the submitters: PubMed 29926297 (cited by Women's Health and Genetics/Laboratory Corporation of America, LabCorp); PubMed 30981987 (cited by Women's Health and Genetics/Laboratory Corporation of America, LabCorp); PubMed 30352910 (cited by Women's Health and Genetics/Laboratory Corporation of America, LabCorp); PubMed 22832583 (cited by Women's Health and Genetics/Laboratory Corporation of America, LabCorp).